The following is an entry in ClinVar:

NM_000834.5(GRIN2B):c.*409T>G

Gene: GRIN2B (glutamate ionotropic receptor NMDA type subunit 2B; minus strand). Cytogenetic location: 12p13.1.
Variant type: single nucleotide variant.
Coding change: c.*409T>G on transcript NM_000834.5 (MANE Select); 409 bases downstream of the stop codon, T replaced by G.
Molecular consequence: 3 prime UTR variant.
Genome position (GRCh38, 1-based): chr12:13,562,374, A>C on the plus strand (T>G on the coding strand, the complement: GRIN2B is on the minus strand). VCF-style: chr12-13562374-A-C. GRCh37 (hg19) VCF-style: chr12-13715308-A-C.
Identifiers: ClinVar variation 1281683 (VCV001281683.2), dbSNP rs890, ClinGen allele CA10641392.
Genomic context (GRCh38, chr12:13,562,374, plus strand): 5'-AGCAGTGTGCTAAATGGTCTCACATAGATGCTTTTGCTTCCTCACCTAAATGAAAAGATC[A>C]GTTTGGGAAAAGCTACCTTTGTGCTCACATAGCCTCTTTTTGGTTCTCCCAGCTTCACTC-3'

ClinVar aggregate classification (germline): Benign. Review status: criteria provided, multiple submitters, no conflicts (2 of 4 stars). 2 submissions from 2 submitters: Benign (2). Last evaluated 2021-02-24.

Allele frequency attached by ClinVar (database versions not stated): 1000 Genomes Project 30x 0.27405; 1000 Genomes Project 0.27496; TOPMed 0.37400; gnomAD exomes 0.42315.
gnomAD v4.1: 77,502 of 199,382 alleles (39%); highest among the groups gnomAD compares: Middle Eastern, 60%; 17,924 homozygotes.

Submissions (2):

GeneDx
Classification: Benign. Last evaluated: 2021-02-24. Review status: criteria provided, single submitter. Criteria: GeneDx Variant Classification Process June 2021. Collection method: clinical testing. Allele origin: germline. Affected: yes.
Comment: This variant is associated with the following publications: (PMID: 26257337)

Breakthrough Genomics
Classification: Benign. Review status: criteria provided, single submitter. Criteria: ACMG Guidelines, 2015. Collection method: not provided. Allele origin: germline. Inheritance: Autosomal dominant inheritance. Affected: yes.